The following is an entry in ClinVar:

ClinVar aggregate classification (germline): Likely benign. Review status: criteria provided, multiple submitters, no conflicts (2 of 4 stars). 2 submissions from 2 submitters: Likely benign (2). Last evaluated 2025-03-12.

Conditions:
KIF22-related disorder. Also called: KIF22-related condition.

Allele frequency attached by ClinVar (database versions not stated): ExAC 0.00001; gnomAD exomes 0.00001 and 0.00003; ESP Exome Variant Server 0.00008; gnomAD 0.00009; 1000 Genomes Project 30x 0.00016; TOPMed 0.00016; 1000 Genomes Project 0.00020.

Submissions (2):

PreventionGenetics, part of Exact Sciences
Classification: Likely benign for KIF22-related condition. Last evaluated: 2025-03-12. Review status: criteria provided, single submitter. Criteria: ACMG Guidelines, 2015. Collection method: clinical testing. Allele origin: germline.
Comment: This variant is classified as likely benign based on ACMG/AMP sequence variant interpretation guidelines (Richards et al. 2015 PMID: 25741868, with internal and published modifications).

Labcorp Genetics (formerly Invitae), Labcorp
Classification: Likely benign. Last evaluated: 2024-10-24. Review status: criteria provided, single submitter. Criteria: Invitae Variant Classification Sherloc (09022015). Collection method: clinical testing. Allele origin: germline.

NM_007317.3(KIF22):c.1098G>A (p.Lys366=)

Gene: KIF22 (kinesin family member 22; plus strand). Cytogenetic location: 16p11.2.
Variant type: single nucleotide variant.
Coding change: c.1098G>A on transcript NM_007317.3 (MANE Select); coding-DNA position 1098, G replaced by A.
Protein change: p.Lys366=; no amino-acid change (lysine 366 retained).
Molecular consequence: synonymous variant.
Genome position (GRCh38, 1-based): chr16:29,799,735, G>A. VCF-style: chr16-29799735-G-A. GRCh37 (hg19) VCF-style: chr16-29811056-G-A.
Other names: c.894G>A, p.Lys298= (NM_001256269.2, NM_001256270.1); c.1098G>A (NM_007317.2).
Identifiers: ClinVar variation 1587264 (VCV001587264.9), dbSNP rs377306516, ClinGen allele CA7993165.